The following is an entry in ClinVar:

ClinVar aggregate classification (germline): Uncertain significance (1 of 4 stars; one submission).

Submission:

Labcorp Genetics (formerly Invitae), Labcorp
Classification: Uncertain significance. Last evaluated: 2025-07-24. Review status: criteria provided, single submitter. Criteria: Invitae Variant Classification Sherloc (09022015). Collection method: clinical testing. Allele origin: germline.
Comment: This sequence change replaces arginine, which is basic and polar, with serine, which is neutral and polar, at codon 682 of the CSF2RB protein (p.Arg682Ser). The frequency data for this variant in the population databases is considered unreliable, as metrics indicate poor data quality at this position in the gnomAD database. This variant has not been reported in the literature in individuals affected with CSF2RB-related conditions. Invitae Evidence Modeling of protein sequence and biophysical properties (such as structural, functional, and spatial information, amino acid conservation, physicochemical variation, residue mobility, and thermodynamic stability) indicates that this missense variant is not expected to disrupt CSF2RB protein function with a negative predictive value of 80%. In summary, the available evidence is currently insufficient to determine the role of this variant in disease. Therefore, it has been classified as a Variant of Uncertain Significance.

NM_000395.3(CSF2RB):c.2046G>T (p.Arg682Ser)

Gene: CSF2RB (colony stimulating factor 2 receptor subunit beta; plus strand). Cytogenetic location: 22q12.3.
Variant type: single nucleotide variant.
Coding change: c.2046G>T on transcript NM_000395.3 (MANE Select); coding-DNA position 2046, G replaced by T.
Protein change: p.Arg682Ser; replaces arginine 682 with serine.
Molecular consequence: missense variant.
Genome position (GRCh38, 1-based): chr22:36,937,854, G>T. VCF-style: chr22-36937854-G-T. GRCh37 (hg19) VCF-style: chr22-37333896-G-T.
Other names: c.2064G>T, p.Arg688Ser (NM_001410827.1); short protein forms R688S, R682S.
Identifiers: ClinVar variation 4762293 (VCV004762293.1).
Genomic context (GRCh38, chr22:36,937,854, plus strand): 5'-TGCAGGGAGTCCCTCCCTGGAGTCCGGGGGAGGCCCTGCCCCTCCTGCTCTTGGGCCAAG[G>T]GTGGGAGGACAGGACCAAAAGGACAGCCCTGTGGCTATACCCATGAGCTCTGGGGACACT-3'
Protein context (NP_000386.1, residues 672-692): GGPAPPALGP[Arg682Ser]VGGQDQKDSP